The following is an entry in ClinVar:

NM_006031.6(PCNT):c.5115+11A>G

Gene: PCNT (pericentrin; plus strand). Cytogenetic location: 21q22.3.
Variant type: single nucleotide variant.
Coding change: c.5115+11A>G on transcript NM_006031.6 (MANE Select); 11 bases into the intron after coding-DNA position 5115, A replaced by G.
Molecular consequence: intron variant.
Genome position (GRCh38, 1-based): chr21:46,402,494, A>G. VCF-style: chr21-46402494-A-G. GRCh37 (hg19) VCF-style: chr21-47822408-A-G.
Other names: c.4761+11A>G (NM_001315529.2).
Identifiers: ClinVar variation 386399 (VCV000386399.4), dbSNP rs371474470, ClinGen allele CA10079880.

ClinVar aggregate classification (germline): Likely benign. Review status: criteria provided, multiple submitters, no conflicts (2 of 4 stars). 2 submissions from 2 submitters: Likely benign (2). Last evaluated 2025-12-22.

Allele frequency attached by ClinVar (database versions not stated): gnomAD exomes 0.00002 and 0.00006; ExAC 0.00011; gnomAD 0.00023 and 0.00024; TOPMed 0.00037; ESP Exome Variant Server 0.00038; 1000 Genomes Project 0.00040; 1000 Genomes Project 30x 0.00062.
gnomAD v4.1: 66 of 1,613,850 alleles (0.0041%); highest among the groups gnomAD compares: African/African-American, 0.072%; no homozygotes.

Submissions (2):

Labcorp Genetics (formerly Invitae), Labcorp
Classification: Likely benign. Last evaluated: 2025-12-22. Review status: criteria provided, single submitter. Criteria: Invitae Variant Classification Sherloc (09022015). Collection method: clinical testing. Allele origin: germline.

GeneDx
Classification: Likely benign. Last evaluated: 2016-05-20. Review status: criteria provided, single submitter. Criteria: GeneDx Variant Classification (06012015). Collection method: clinical testing. Allele origin: germline. Affected: yes.
Comment: This variant is considered likely benign or benign based on one or more of the following criteria: it is a conservative change, it occurs at a poorly conserved position in the protein, it is predicted to be benign by multiple in silico algorithms, and/or has population frequency not consistent with disease.